The following is an entry in ClinVar:

ClinVar aggregate classification (germline): Uncertain significance (1 of 4 stars; one submission).

Conditions:
Charcot-Marie-Tooth disease type 4. Also called: Charcot-Marie-Tooth disease, type IV; Charcot-Marie-Tooth, Type 4. Identifiers: Orphanet 64749, MedGen C4082197, MONDO:0018995.

Submission:

Labcorp Genetics (formerly Invitae), Labcorp
Classification: Uncertain significance for Charcot-Marie-Tooth disease type 4. Last evaluated: 2018-07-24. Review status: criteria provided, single submitter. Criteria: Invitae Variant Classification Sherloc (09022015). Collection method: clinical testing. Allele origin: germline.
Comment: Algorithms developed to predict the effect of missense changes on protein structure and function (SIFT, PolyPhen-2, Align-GVGD) all suggest that this variant is likely to be tolerated, but these predictions have not been confirmed by published functional studies and their clinical significance is uncertain. In summary, the available evidence is currently insufficient to determine the role of this variant in disease. Therefore, it has been classified as a Variant of Uncertain Significance. This variant has not been reported in the literature in individuals with FIG4-related disease. This sequence change replaces cysteine with glycine at codon 455 of the FIG4 protein (p.Cys455Gly). The cysteine residue is moderately conserved and there is a large physicochemical difference between cysteine and glycine. This variant is not present in population databases (ExAC no frequency).

NM_014845.6(FIG4):c.1363T>G (p.Cys455Gly)

Gene: FIG4 (FIG4 phosphoinositide 5-phosphatase; plus strand). Cytogenetic location: 6q21.
Variant type: single nucleotide variant.
Coding change: c.1363T>G on transcript NM_014845.6 (MANE Select); coding-DNA position 1363, T replaced by G.
Protein change: p.Cys455Gly; replaces cysteine 455 with glycine.
Molecular consequence: missense variant.
Genome position (GRCh38, 1-based): chr6:109,762,182, T>G. VCF-style: chr6-109762182-T-G. GRCh37 (hg19) VCF-style: chr6-110083385-T-G.
Other names: short protein forms C455G.
Identifiers: ClinVar variation 639979 (VCV000639979.8), dbSNP rs1012991465, ClinGen allele CA365226337.